The following is an entry in ClinVar:

NM_014423.4(AFF4):c.1868C>G (p.Pro623Arg)

Gene: AFF4 (ALF transcription elongation factor 4; minus strand). Cytogenetic location: 5q31.1.
Variant type: single nucleotide variant.
Coding change: c.1868C>G on transcript NM_014423.4 (MANE Select); coding-DNA position 1868, C replaced by G.
Protein change: p.Pro623Arg; replaces proline 623 with arginine.
Molecular consequence: missense variant.
Genome position (GRCh38, 1-based): chr5:132,896,762, G>C on the plus strand (C>G on the coding strand, the complement: AFF4 is on the minus strand). VCF-style: chr5-132896762-G-C. GRCh37 (hg19) VCF-style: chr5-132232454-G-C.
Other names: short protein forms P623R.
Identifiers: ClinVar variation 3350864 (VCV003350864.1).
Genomic context (GRCh38, chr5:132,896,762, plus strand): 5'-ATTTCCCTTGATTTCTGGGAAGATTTACTTGTTGACTTATATTTCTTTTTCTCTGCTGTA[G>C]GTCGAGGGGAAGACTTAGACTCCTTCTTTATATTGGGTTTCCTTGAGCCTTTGGTGGCTG-3'
Protein context (NP_055238.1, residues 613-633): IKKESKSSPR[Pro623Arg]TAEKKKYKST

ClinVar aggregate classification (germline): Uncertain significance (0 of 4 stars; one submission).

Conditions:
AFF4-related disorder. Also called: AFF4-related condition.

gnomAD v4.1: 10 of 1,614,008 alleles (0.00062%); highest among the groups gnomAD compares: African/African-American, 0.0013%; no homozygotes.

Submission:

PreventionGenetics, part of Exact Sciences
Classification: Uncertain significance for AFF4-related condition. Last evaluated: 2024-05-17. Review status: no assertion criteria provided. Collection method: clinical testing. Allele origin: germline.
Comment: The AFF4 c.1868C>G variant is predicted to result in the amino acid substitution p.Pro623Arg. To our knowledge, this variant has not been reported in the literature. This variant is reported in 0.0062% of alleles in individuals of African descent in gnomAD. At this time, the clinical significance of this variant is uncertain due to the absence of conclusive functional and genetic evidence.